The following is an entry in ClinVar:

ClinVar aggregate classification (germline): Uncertain significance (1 of 4 stars; one submission).

Submission:

Labcorp Genetics (formerly Invitae), Labcorp
Classification: Uncertain significance. Last evaluated: 2022-02-20. Review status: criteria provided, single submitter. Criteria: Invitae Variant Classification Sherloc (09022015). Collection method: clinical testing. Allele origin: germline.
Comment: This sequence change replaces glycine, which is neutral and non-polar, with serine, which is neutral and polar, at codon 176 of the TUB protein (p.Gly176Ser). Information on the frequency of this variant in the gnomAD database is not available, as this variant may be reported differently in the database. This variant has not been reported in the literature in individuals affected with TUB-related conditions. Experimental studies and prediction algorithms are not available or were not evaluated, and the functional significance of this variant is currently unknown. In summary, the available evidence is currently insufficient to determine the role of this variant in disease. Therefore, it has been classified as a Variant of Uncertain Significance.

NM_177972.3(TUB):c.360_361inv (p.Gly121Ser)

Genes: RIC3 (RIC3 acetylcholine receptor chaperone; minus strand), TUB (TUB bipartite transcription factor; plus strand). Cytogenetic location: 11p15.4.
Variant type: Inversion.
Coding change: c.360_361inv on transcript NM_177972.3 (MANE Select).
Protein change: p.Gly121Ser; replaces glycine 121 with serine.
Molecular consequence: missense variant. On other transcripts: non-coding transcript variant (1).
Genome position: GRCh38 VCF-style: chr11-8094152-TG-CA. GRCh37 (hg19) VCF-style: chr11-8115699-TG-CA.
Other names: c.525_526inv, p.Gly176Ser (NM_003320.5); short protein forms G176S, G121S.
Identifiers: ClinVar variation 1931261 (VCV001931261.2), ClinGen allele CA2580084031.